The following is an entry in ClinVar:

ClinVar aggregate classification (germline): Uncertain significance (1 of 4 stars; one submission).

Allele frequency attached by ClinVar (database versions not stated): gnomAD 0.00001; gnomAD exomes 0.00001; TOPMed 0.00002; ExAC 0.00003; ESP Exome Variant Server 0.00008.
gnomAD v4.1: 16 of 1,614,054 alleles (0.00099%); highest among the groups gnomAD compares: Non-Finnish European, 0.00025%; no homozygotes.

Submission:

Labcorp Genetics (formerly Invitae), Labcorp
Classification: Uncertain significance. Last evaluated: 2022-06-15. Review status: criteria provided, single submitter. Criteria: Invitae Variant Classification Sherloc (09022015). Collection method: clinical testing. Allele origin: germline.
Comment: In summary, the available evidence is currently insufficient to determine the role of this variant in disease. Therefore, it has been classified as a Variant of Uncertain Significance. Algorithms developed to predict the effect of missense changes on protein structure and function are either unavailable or do not agree on the potential impact of this missense change (SIFT: "Tolerated"; PolyPhen-2: "Probably Damaging"; Align-GVGD: "Class C0"). This variant has not been reported in the literature in individuals affected with VAC14-related conditions. This variant is present in population databases (rs369652478, gnomAD 0.04%). This sequence change replaces aspartic acid, which is acidic and polar, with asparagine, which is neutral and polar, at codon 337 of the VAC14 protein (p.Asp337Asn).

NM_018052.5(VAC14):c.1009G>A (p.Asp337Asn)

Gene: VAC14 (VAC14 component of PIKFYVE complex; minus strand). Cytogenetic location: 16q22.1.
Variant type: single nucleotide variant.
Coding change: c.1009G>A on transcript NM_018052.5 (MANE Select); coding-DNA position 1009, G replaced by A.
Protein change: p.Asp337Asn; replaces aspartic acid 337 with asparagine.
Molecular consequence: missense variant.
Genome position (GRCh38, 1-based): chr16:70,780,877, C>T on the plus strand (G>A on the coding strand, the complement: VAC14 is on the minus strand). VCF-style: chr16-70780877-C-T. GRCh37 (hg19) VCF-style: chr16-70814780-C-T.
Other names: c.307G>A, p.Asp103Asn (NM_001351157.2); short protein forms D103N, D337N.
Identifiers: ClinVar variation 2413641 (VCV002413641.4), dbSNP rs369652478, ClinGen allele CA8147864.